The following is an entry in ClinVar:

NM_001363711.2(DUOX2):c.332A>T (p.His111Leu)

Gene: DUOX2 (dual oxidase 2; minus strand). Cytogenetic location: 15q21.1.
Variant type: single nucleotide variant.
Coding change: c.332A>T on transcript NM_001363711.2 (MANE Select); coding-DNA position 332, A replaced by T.
Protein change: p.His111Leu; replaces histidine 111 with leucine.
Molecular consequence: missense variant.
Genome position (GRCh38, 1-based): chr15:45,111,949, T>A on the plus strand (A>T on the coding strand, the complement: DUOX2 is on the minus strand). VCF-style: chr15-45111949-T-A. GRCh37 (hg19) VCF-style: chr15-45404147-T-A.
Other names: c.332A>T, p.His111Leu (NM_014080.5); short protein forms H111L.
Identifiers: ClinVar variation 1354873 (VCV001354873.7), dbSNP rs1595529241, ClinGen allele CA392279525.

ClinVar aggregate classification (germline): Uncertain significance (1 of 4 stars; one submission).

gnomAD v4.1: 2 of 1,613,340 alleles (0.00012%); highest among the groups gnomAD compares: Non-Finnish European, 0.000085%; no homozygotes.

Submission:

Labcorp Genetics (formerly Invitae), Labcorp
Classification: Uncertain significance. Last evaluated: 2024-04-25. Review status: criteria provided, single submitter. Criteria: Invitae Variant Classification Sherloc (09022015). Collection method: clinical testing. Allele origin: germline.
Comment: This sequence change replaces histidine, which is basic and polar, with leucine, which is neutral and non-polar, at codon 111 of the DUOX2 protein (p.His111Leu). This variant is not present in population databases (gnomAD no frequency). This variant has not been reported in the literature in individuals affected with DUOX2-related conditions. ClinVar contains an entry for this variant (Variation ID: 1354873). Advanced modeling of protein sequence and biophysical properties (such as structural, functional, and spatial information, amino acid conservation, physicochemical variation, residue mobility, and thermodynamic stability) performed at Invitae indicates that this missense variant is not expected to disrupt DUOX2 protein function with a negative predictive value of 80%. In summary, the available evidence is currently insufficient to determine the role of this variant in disease. Therefore, it has been classified as a Variant of Uncertain Significance.